The following is an entry in ClinVar:

ClinVar aggregate classification (germline): Uncertain significance (1 of 4 stars; one submission).

Conditions:
Cardiovascular phenotype. Identifiers: MedGen CN230736.

Submission:

Ambry Genetics
Classification: Uncertain significance for Cardiovascular phenotype. Last evaluated: 2021-07-12. Review status: criteria provided, single submitter. Criteria: Ambry Variant Classification Scheme 2023. Collection method: clinical testing. Allele origin: germline.
Comment: The p.D1195H variant (also known as c.3583G>C), located in coding exon 21 of the FLNC gene, results from a G to C substitution at nucleotide position 3583. The aspartic acid at codon 1195 is replaced by histidine, an amino acid with similar properties. This amino acid position is conserved. In addition, the in silico prediction for this alteration is inconclusive. Since supporting evidence is limited at this time, the clinical significance of this alteration remains unclear.

NM_001458.5(FLNC):c.3583G>C (p.Asp1195His)

Gene: FLNC (filamin C; plus strand). Cytogenetic location: 7q32.1.
Variant type: single nucleotide variant.
Coding change: c.3583G>C on transcript NM_001458.5 (MANE Select); coding-DNA position 3583, G replaced by C.
Protein change: p.Asp1195His; replaces aspartic acid 1195 with histidine.
Molecular consequence: missense variant.
Genome position (GRCh38, 1-based): chr7:128,845,048, G>C. VCF-style: chr7-128845048-G-C. GRCh37 (hg19) VCF-style: chr7-128485102-G-C.
Other names: c.3583G>C, p.Asp1195His (NM_001127487.2); short protein forms D1195H.
Identifiers: ClinVar variation 1732916 (VCV001732916.2), dbSNP rs1170247238, ClinGen allele CA369197287.